The following is an entry in ClinVar:

NM_207361.6(FREM2):c.5656_5657del (p.Ile1886fs)

Gene: FREM2 (FRAS1 related extracellular matrix 2; plus strand). Cytogenetic location: 13q13.3.
Variant type: Deletion.
Coding change: c.5656_5657del on transcript NM_207361.6 (MANE Select); coding-DNA positions 5656 to 5657, 2 bases deleted (AT; older notation c.5656_5657delAT).
Protein change: p.Ile1886fs; shifts the reading frame from isoleucine 1886.
Molecular consequence: frameshift variant.
Genome position (GRCh38, 1-based): chr13:38,783,084-38,783,085, AT deleted; deleting any 2 consecutive bases within chr13:38,783,083-38,783,085 gives the same sequence; the c. name uses the placement nearest the transcript's 3' end. VCF-style (leftmost placement, unchanged base first): chr13-38783082-TTA-T. GRCh37 (hg19) VCF-style: chr13-39357219-TTA-T.
Other names: short protein forms I1886fs.
Identifiers: ClinVar variation 3730272 (VCV003730272.2).

ClinVar aggregate classification (germline): Pathogenic (1 of 4 stars; one submission).

Submission:

Labcorp Genetics (formerly Invitae), Labcorp
Classification: Pathogenic. Last evaluated: 2024-09-11. Review status: criteria provided, single submitter. Criteria: Invitae Variant Classification Sherloc (09022015). Collection method: clinical testing. Allele origin: germline.
Comment: This sequence change creates a premature translational stop signal (p.Ile1886Serfs*8) in the FREM2 gene. It is expected to result in an absent or disrupted protein product. Loss-of-function variants in FREM2 are known to be pathogenic (PMID: 18203166, 26552811). This variant is not present in population databases (gnomAD no frequency). This variant has not been reported in the literature in individuals affected with FREM2-related conditions. For these reasons, this variant has been classified as Pathogenic.

Literature cited by the submitters: PubMed 18203166; PubMed 26552811.